The following is an entry in ClinVar:

NM_000388.4(CASR):c.1393C>T (p.Arg465Trp)

Gene: CASR (calcium sensing receptor; plus strand). Cytogenetic location: 3q21.1.
Variant type: single nucleotide variant.
Coding change: c.1393C>T on transcript NM_000388.4 (MANE Select); coding-DNA position 1393, C replaced by T.
Protein change: p.Arg465Trp; replaces arginine 465 with tryptophan.
Molecular consequence: missense variant.
Genome position (GRCh38, 1-based): chr3:122,275,827, C>T. VCF-style: chr3-122275827-C-T. GRCh37 (hg19) VCF-style: chr3-121994674-C-T.
Other names: p.Arg465Trp; c.1393C>T, p.Arg465Trp (NM_001178065.2); short protein forms R465W.
Identifiers: ClinVar variation 410348 (VCV000410348.25), dbSNP rs751217000, ClinGen allele CA2569651.

ClinVar aggregate classification (germline): Conflicting classifications of pathogenicity. Review status: criteria provided, conflicting classifications (1 of 4 stars). 8 submissions from 8 submitters: Pathogenic (3); Likely pathogenic (4); Uncertain significance (1). Last evaluated 2026-05-19.

Conditions:
Nephrolithiasis/nephrocalcinosis. Identifiers: MedGen CN580796.
Autosomal dominant hypocalcemia 1 (HYPOC1). Also called: HYPOCALCEMIA, FAMILIAL. Identifiers: MedGen C3715128, MONDO:0011013, OMIM 601198.
Familial hypocalciuric hypercalcemia (FHH). Also called: Familial benign hypercalcemia. Identifiers: Orphanet 405, MedGen C1809471, MONDO:0018458.
CASR-related disorder. Also called: CASR-related condition.
Epilepsy, idiopathic generalized, susceptibility to, 8. Identifiers: MedGen C2752062, MONDO:0013032, OMIM 612899.

Allele frequency attached by ClinVar (database versions not stated): gnomAD 0.00001; gnomAD exomes 0.00001; ExAC 0.00002.
gnomAD v4.1: 9 of 1,613,062 alleles (0.00056%); highest among the groups gnomAD compares: East Asian, 0.0022%; no homozygotes.

Submissions (8):

Women's Health and Genetics/Laboratory Corporation of America, LabCorp
Classification: Pathogenic for Familial hypocalciuric hypercalcemia. Last evaluated: 2026-05-19. Review status: criteria provided, single submitter. Criteria: LabCorp Variant Classification Summary - May 2015. Collection method: clinical testing. Allele origin: germline.
Comment: Variant summary: CASR c.1393C>T (p.Arg465Trp) results in a non-conservative amino acid change located in the ligand binding region (IPR001828) of the encoded protein sequence. Algorithms developed to predict the effect of missense changes on protein structure and function all suggest that this variant is likely to be disruptive. The variant allele was found at a frequency of 1.2e-05 in 251282 control chromosomes (gnomAD). c.1393C>T has been reported in the literature in the heterozygous state in multiple individuals affected with Familial Hypocalciuric Hypercalcemia (e.g. Guarnieri_2010, Vargas-Poussou_2016, Hureaux_2019, Mouly_2020, internal data). These data indicate that the variant is very likely to be associated with disease. At least one publication reports experimental evidence evaluating an impact on protein function and found the variant was associated with reduced maturation, cell surface expression, and cell signaling compared to the wild-type protein, however, it does not allow strong conclusions about the variant effect (Guarnieri_2010). The following publications have been ascertained in the context of this evaluation (PMID: 20164288, 31672324, 29026550, 32347971, 26963950). ClinVar contains an entry for this variant (Variation ID: 410348). Based on the evidence outlined above, the variant was classified as pathogenic.

Labcorp Genetics (formerly Invitae), Labcorp
Classification: Pathogenic for Familial hypocalciuric hypercalcemia; Autosomal dominant hypocalcemia 1. Last evaluated: 2025-12-14. Review status: criteria provided, single submitter. Criteria: Invitae Variant Classification Sherloc (09022015). Collection method: clinical testing. Allele origin: germline.
Comment: This sequence change replaces arginine, which is basic and polar, with tryptophan, which is neutral and slightly polar, at codon 465 of the CASR protein (p.Arg465Trp). This variant is present in population databases (rs751217000, gnomAD 0.007%). This missense change has been observed in individuals with clinical features of familial hypocalciuric hypercalcemia (FHH) (PMID: 20164288, 29026550, 31672324, 32347971; internal data). Invitae Evidence Modeling of clinical and family history, age, sex, and reported ancestry of multiple individuals with this CASR variant has been performed. This variant is expected to be pathogenic with a positive predictive value of at least 99%. This is a validated machine learning model that incorporates the clinical features of 646,172 individuals referred to our laboratory for CASR testing. ClinVar contains an entry for this variant (Variation ID: 410348). An algorithm developed to predict the effect of missense changes on protein structure and function (PolyPhen-2) suggests that this variant is likely to be disruptive. Experimental studies have shown that this missense change affects CASR function (PMID: 20164288). This variant disrupts the p.Arg465 amino acid residue in CASR. Other variant(s) that disrupt this residue have been determined to be pathogenic (PMID: 16598859, 26646938, 26963950, 28176280, 30407919; internal data). This suggests that this residue is clinically significant, and that variants that disrupt this residue are likely to be disease-causing. For these reasons, this variant has been classified as Pathogenic.

Athena Diagnostics
Classification: Likely pathogenic. Last evaluated: 2025-06-03. Review status: criteria provided, single submitter. Criteria: Athena Diagnostics Criteria. Collection method: clinical testing. Allele origin: unknown.
Comment: The frequency of this variant in the general population is consistent with pathogenicity. This variant has been identified in multiple unrelated individuals with clinical features associated with this gene. Assessment of experimental evidence suggests this variant results in abnormal protein function. (PMID: 16598859, 20164288) At least one other missense variant at this codon is considered to be pathogenic or likely pathogenic, suggesting this variant may also cause disease.

Revvity Omics, Revvity
Classification: Likely pathogenic. Last evaluated: 2025-04-03. Review status: criteria provided, single submitter. Criteria: ACMG Guidelines, 2015. Collection method: clinical testing. Allele origin: germline.

Mayo Clinic Laboratories, Mayo Clinic
Classification: Likely pathogenic. Last evaluated: 2025-03-11. Review status: criteria provided, single submitter. Criteria: ACMG Guidelines, 2015. Collection method: clinical testing. Allele origin: germline. Observed: 5 variant alleles.
Comment: PP2, PP3, PM2_supporting, PS3_moderate, PS4_moderate

Ambry Genetics
Classification: Uncertain significance for Nephrolithiasis/nephrocalcinosis. Last evaluated: 2024-01-16. Review status: criteria provided, single submitter. Criteria: Ambry Variant Classification Scheme 2023. Collection method: clinical testing. Allele origin: germline.
Comment: The p.R465W variant (also known as c.1393C>T), located in coding exon 4 of the CASR gene, results from a C to T substitution at nucleotide position 1393. The arginine at codon 465 is replaced by tryptophan, an amino acid with dissimilar properties. This variant has been identified in individuals with hypercalcemia and inappropriately normal parathyroid hormone levels; however, if has also been identified in first degree relatives without hypercalcemia (Guarnieri V et al. J. Clin. Endocrinol. Metab., 2010 Apr;95:1819-29; Maltese G et al. Clin Case Rep, 2017 10;5:1587-1590). This variant has also been reported in additional familial hypocalciuric hypercalcemia cohorts (Hureaux M et al. Kidney Int, 2019 Dec;96:1408-1416; Mouly C et al. Clin Endocrinol (Oxf), 2020 Sep;93:248-260). In HEK293 cells, this variant was impaired relative to the wild type CASR with respect to maturation, cell surface expression, and signaling (Guarnieri V et al. J. Clin. Endocrinol. Metab., 2010 Apr;95:1819-29). This amino acid position is highly conserved in available vertebrate species. In addition, this alteration is predicted to be deleterious by in silico analysis. In addition, the evidence for the gene-disease relationship is limited for pancreatitis and cancer predisposition; therefore, the clinical significance of this variant for CASR-related pancreatitis and cancer predisposition is unclear. Based on available evidence to date, the clinical significance of this alteration remains unclear.

Dasa
Classification: Likely pathogenic for Epilepsy, idiopathic generalized, susceptibility to, 8. Last evaluated: 2022-02-05. Review status: criteria provided, single submitter. Criteria: ACMG Guidelines, 2015. Collection method: clinical testing. Allele origin: germline. Affected: yes. Observed: 1 variant allele.
Comment: The c.1393C>T;p.(Arg465Trp) missense variant has been observed in affected individual(s) and ClinVar contains an entry for this variant (PMID: 20164288) - PS4_supporting. Well-established in vitro or in vivo functional studies supportive of a damaging effect on the gene or gene product (PMID: 29026550) - PS3_supporting. The variant is present at low allele frequencies population databases (rs751217000 – gnomAD 0.00006570%; ABraOM no frequency) - PM2_supporting. Pathogenic missense variant in this residue have been reported (ClinVar ID: 8352 - c.1394G>A (p.Arg465Gln)) - PM5. The variant co-segregated with disease in multiple affected family members (PMID: 29026550) - PP1_supporting. In summary, the currently available evidence indicates that the variant is likely pathogenic.

Blueprint Genetics
Classification: Pathogenic for CASR-related disorders. Last evaluated: 2021-06-28. Review status: criteria provided, single submitter. Criteria: ACMG Guidelines, 2015. Collection method: clinical testing. Allele origin: germline. Affected: yes. Observed: 5 variant alleles.

Literature cited by the submitters: PubMed 31672324 (cited by 4 submitters); PubMed 26963950 (cited by Women's Health and Genetics/Laboratory Corporation of America, LabCorp and Labcorp Genetics (formerly Invitae), Labcorp); PubMed 32347971 (cited by 5 submitters); PubMed 20164288 (cited by 6 submitters); PubMed 29026550 (cited by 6 submitters); PubMed 16598859 (cited by 3 submitters); PubMed 26646938 (cited by Labcorp Genetics (formerly Invitae), Labcorp); PubMed 28176280 (cited by Labcorp Genetics (formerly Invitae), Labcorp and Athena Diagnostics); PubMed 30407919 (cited by Labcorp Genetics (formerly Invitae), Labcorp and Athena Diagnostics); PubMed 38586466 (cited by Athena Diagnostics); PubMed 34426522 (cited by Athena Diagnostics).